The following is an entry in ClinVar:

ClinVar aggregate classification (germline): Uncertain significance. Review status: criteria provided, multiple submitters, no conflicts (2 of 4 stars). 2 submissions from 2 submitters: Uncertain significance (2). Last evaluated 2025-01-03.

Conditions:
Hereditary cancer-predisposing syndrome. Also called: Tumor predisposition; Hereditary Cancer Syndrome; Hereditary neoplastic syndrome; Neoplastic Syndromes, Hereditary. Identifiers: Orphanet 140162, MedGen C0027672, MeSH D009386, MONDO:0015356.
Juvenile polyposis syndrome (JPS). Identifiers: Orphanet 2929, MedGen C0345893, MONDO:0017380, OMIM 174900.

Submissions (2):

Ambry Genetics
Classification: Uncertain significance for Hereditary cancer-predisposing syndrome. Last evaluated: 2025-01-03. Review status: criteria provided, single submitter. Criteria: Ambry Variant Classification Scheme 2023. Collection method: clinical testing. Allele origin: germline.
Comment: The p.M500I variant (also known as c.1500G>A), located in coding exon 11 of the BMPR1A gene, results from a G to A substitution at nucleotide position 1500. The methionine at codon 500 is replaced by isoleucine, an amino acid with highly similar properties. This amino acid position is highly conserved in available vertebrate species. In addition, this alteration is predicted to be deleterious by in silico analysis. Based on the available evidence, the clinical significance of this variant remains unclear.

Labcorp Genetics (formerly Invitae), Labcorp
Classification: Uncertain significance for Juvenile polyposis syndrome. Last evaluated: 2024-04-30. Review status: criteria provided, single submitter. Criteria: Invitae Variant Classification Sherloc (09022015). Collection method: clinical testing. Allele origin: germline.
Comment: This sequence change replaces methionine, which is neutral and non-polar, with isoleucine, which is neutral and non-polar, at codon 500 of the BMPR1A protein (p.Met500Ile). This variant is not present in population databases (gnomAD no frequency). This variant has not been reported in the literature in individuals affected with BMPR1A-related conditions. Advanced modeling of protein sequence and biophysical properties (such as structural, functional, and spatial information, amino acid conservation, physicochemical variation, residue mobility, and thermodynamic stability) has been performed at Invitae for this missense variant, however the output from this modeling did not meet the statistical confidence thresholds required to predict the impact of this variant on BMPR1A protein function. In summary, the available evidence is currently insufficient to determine the role of this variant in disease. Therefore, it has been classified as a Variant of Uncertain Significance.

NM_004329.3(BMPR1A):c.1500G>A (p.Met500Ile)

Gene: BMPR1A (bone morphogenetic protein receptor type 1A; plus strand). Cytogenetic location: 10q23.2.
Variant type: single nucleotide variant.
Coding change: c.1500G>A on transcript NM_004329.3 (MANE Select); coding-DNA position 1500, G replaced by A.
Protein change: p.Met500Ile; replaces methionine 500 with isoleucine.
Molecular consequence: missense variant. On other transcripts: non-coding transcript variant (3).
Genome position (GRCh38, 1-based): chr10:86,923,620, G>A. VCF-style: chr10-86923620-G-A. GRCh37 (hg19) VCF-style: chr10-88683377-G-A.
Other names: c.1500G>A, p.Met500Ile (NM_001406571.1, NM_001406572.1, NM_001406573.1 and 19 more transcripts); c.1494G>A, p.Met498Ile (NM_001406583.1); c.1416G>A, p.Met472Ile (NM_001406584.1, NM_001406585.1, NM_001406586.1 and 2 more transcripts); c.1158G>A, p.Met386Ile (NM_001406589.1); c.1575G>A, p.Met525Ile (NM_001406559.1); c.1548G>A, p.Met516Ile (NM_001406560.1); short protein forms M386I, M472I, M525I, M498I, M500I, M516I.
Identifiers: ClinVar variation 3728283 (VCV003728283.3).